The following is an entry in ClinVar:

ClinVar aggregate classification (germline): Uncertain significance. Review status: criteria provided, multiple submitters, no conflicts (2 of 4 stars). 3 submissions from 3 submitters: Uncertain significance (3). Last evaluated 2026-03-25.

Conditions:
NEFH-related disorder. Also called: NEFH-related condition.
Inborn genetic diseases. Identifiers: MedGen C0950123, MeSH D030342.

Allele frequency attached by ClinVar (database versions not stated): ExAC 0.00002; gnomAD exomes 0.00002; TOPMed 0.00003; gnomAD 0.00005; 1000 Genomes Project 0.00020.
gnomAD v4.1: 33 of 1,611,944 alleles (0.002%); highest among the groups gnomAD compares: African/African-American, 0.013%; no homozygotes.

Submissions (3):

PreventionGenetics, part of Exact Sciences
Classification: Uncertain significance for NEFH-related condition. Last evaluated: 2026-03-25. Review status: criteria provided, single submitter. Criteria: ACMG Guidelines, 2015. Collection method: clinical testing. Allele origin: germline.
Comment: The NEFH c.1682C>T variant is predicted to result in the amino acid substitution p.Pro561Leu. To our knowledge, this variant has not been reported in the literature. This variant is reported in 0.0065% of alleles in individuals of South Asian descent in gnomAD. At this time, the clinical significance of this variant is uncertain due to the absence of conclusive functional and genetic evidence.

Ambry Genetics
Classification: Uncertain significance for Inborn genetic diseases. Last evaluated: 2023-12-16. Review status: criteria provided, single submitter. Criteria: Ambry Variant Classification Scheme 2023. Collection method: clinical testing. Allele origin: germline.

Labcorp Genetics (formerly Invitae), Labcorp
Classification: Uncertain significance. Last evaluated: 2023-04-15. Review status: criteria provided, single submitter. Criteria: Invitae Variant Classification Sherloc (09022015). Collection method: clinical testing. Allele origin: germline.
Comment: In summary, the available evidence is currently insufficient to determine the role of this variant in disease. Therefore, it has been classified as a Variant of Uncertain Significance. Advanced modeling of protein sequence and biophysical properties (such as structural, functional, and spatial information, amino acid conservation, physicochemical variation, residue mobility, and thermodynamic stability) performed at Invitae indicates that this missense variant is not expected to disrupt NEFH protein function. ClinVar contains an entry for this variant (Variation ID: 1777936). This variant has not been reported in the literature in individuals affected with NEFH-related conditions. This variant is present in population databases (rs548556825, gnomAD 0.007%). This sequence change replaces proline, which is neutral and non-polar, with leucine, which is neutral and non-polar, at codon 561 of the NEFH protein (p.Pro561Leu).

NM_021076.4(NEFH):c.1682C>T (p.Pro561Leu)

Gene: NEFH (neurofilament heavy chain; plus strand). Cytogenetic location: 22q12.2.
Variant type: single nucleotide variant.
Coding change: c.1682C>T on transcript NM_021076.4 (MANE Select); coding-DNA position 1682, C replaced by T.
Protein change: p.Pro561Leu; replaces proline 561 with leucine.
Molecular consequence: missense variant.
Genome position (GRCh38, 1-based): chr22:29,489,322, C>T. VCF-style: chr22-29489322-C-T. GRCh37 (hg19) VCF-style: chr22-29885311-C-T.
Other names: short protein forms P561L.
Identifiers: ClinVar variation 1777936 (VCV001777936.7), dbSNP rs548556825, ClinGen allele CA10174259.